The following is an entry in ClinVar:

ClinVar aggregate classification (germline): Benign/Likely benign. Review status: criteria provided, multiple submitters, no conflicts (2 of 4 stars). 4 submissions from 4 submitters: Benign (3); Likely benign (1). Last evaluated 2026-01-21.

Submissions (4):

Labcorp Genetics (formerly Invitae), Labcorp
Classification: Benign. Last evaluated: 2026-01-21. Review status: criteria provided, single submitter. Criteria: Invitae Variant Classification Sherloc (09022015). Collection method: clinical testing. Allele origin: germline.

Blueprint Genetics
Classification: Likely benign. Last evaluated: 2024-11-20. Review status: criteria provided, single submitter. Criteria: ACMG Guidelines, 2015. Collection method: clinical testing. Allele origin: germline.

Laboratory for Molecular Medicine, Mass General Brigham Personalized Medicine
Classification: Benign. Last evaluated: 2023-11-21. Review status: criteria provided, single submitter. Criteria: ACMG Guidelines, 2015. Collection method: clinical testing. Allele origin: germline.
Comment: The c.236-5dupC variant in OTOGL is classified as benign because it has been identified in 2.0% (819/41174) of African chromosomes by gnomAD, including 6 homozygotes (v.3.1.2). ACMG/AMP Criteria applied: BA1.

GeneDx
Classification: Benign. Last evaluated: 2021-06-11. Review status: criteria provided, single submitter. Criteria: GeneDx Variant Classification Process June 2021. Collection method: clinical testing. Allele origin: germline. Affected: yes.

NM_001378609.3(OTOGL):c.236-5dup

Gene: OTOGL (otogelin like; plus strand). Cytogenetic location: 12q21.31.
Variant type: Duplication.
Coding change: c.236-5dup on transcript NM_001378609.3 (MANE Select); 5 bases into the intron before coding-DNA position 236, one base duplicated (C; older notation c.236-5dupC).
Molecular consequence: intron variant.
Genome position (GRCh38, 1-based): chr12:80,219,809, C duplicated; the last of 5 consecutive C bases (chr12:80,219,805-80,219,809); duplicating any one gives the same sequence. VCF-style (leftmost placement, unchanged base first): chr12-80219804-T-TC. GRCh37 (hg19) VCF-style: chr12-80613584-T-TC.
Other names: c.236-5dup (NM_001368062.3, NM_001378610.3, NM_173591.7); c.209-5dupC (NM_173591.3).
Identifiers: ClinVar variation 714540 (VCV000714540.12), dbSNP rs747148664, ClinGen allele CA6700113.